The following is an entry in ClinVar:

ClinVar aggregate classification (germline): Likely benign (1 of 4 stars; one submission).

Submission:

CeGaT Center for Human Genetics Tuebingen
Classification: Likely benign. Last evaluated: 2023-04-01. Review status: criteria provided, single submitter. Criteria: CeGaT Center For Human Genetics Tuebingen Variant Classification Criteria Version 2. Collection method: clinical testing. Allele origin: germline. Affected: yes. Observed: 1 variant allele.
Comment: BPIFB4: BP4, BP7

NM_182519.3(BPIFB4):c.170-154T>C

Gene: BPIFB4 (BPI fold containing family B member 4; plus strand). Cytogenetic location: 20q11.21.
Variant type: single nucleotide variant.
Coding change: c.170-154T>C on transcript NM_182519.3 (MANE Select); 154 bases into the intron before coding-DNA position 170, T replaced by C.
Molecular consequence: intron variant.
Genome position (GRCh38, 1-based): chr20:33,083,213, T>C. VCF-style: chr20-33083213-T-C. GRCh37 (hg19) VCF-style: chr20-31671019-T-C.
Identifiers: ClinVar variation 2652265 (VCV002652265.24), dbSNP rs1453647973, ClinGen allele CA743687736.